The following is an entry in ClinVar:

NM_000297.4(PKD2):c.667G>T (p.Glu223Ter)

Gene: PKD2 (polycystin 2, transient receptor potential cation channel; plus strand). Cytogenetic location: 4q22.1.
Variant type: single nucleotide variant.
Coding change: c.667G>T on transcript NM_000297.4 (MANE Select); coding-DNA position 667, G replaced by T.
Protein change: p.Glu223Ter; replaces glutamic acid 223 with a stop codon.
Molecular consequence: nonsense. On other transcripts: non-coding transcript variant (1).
Genome position (GRCh38, 1-based): chr4:88,019,529, G>T. VCF-style: chr4-88019529-G-T. GRCh37 (hg19) VCF-style: chr4-88940681-G-T.
Other names: c.667G>T, p.Glu223Ter (NM_001440544.1); short protein forms E223*.
Identifiers: ClinVar variation 4531949 (VCV004531949.2).

ClinVar aggregate classification (germline): Pathogenic. Review status: criteria provided, multiple submitters, no conflicts (2 of 4 stars). 2 submissions from 2 submitters: Pathogenic (2). Last evaluated 2026-01-30.

Conditions:
Polycystic kidney disease 2 (PKD2). Also called: Polycystic Kidney Disease 2, Autosomal Dominant; POLYCYSTIC KIDNEY DISEASE, ADULT, TYPE II; POLYCYSTIC KIDNEY DISEASE 2 WITH OR WITHOUT POLYCYSTIC LIVER DISEASE. Identifiers: MedGen C2751306, MONDO:0013131, OMIM 613095.

Submissions (2):

3billion
Classification: Pathogenic for Polycystic kidney disease 2. Last evaluated: 2026-01-30. Review status: criteria provided, single submitter. Criteria: ACMG Guidelines, 2015. Collection method: clinical testing. Allele origin: germline. Affected: yes.
Comment: The variant is not observed in the gnomAD v4.1.0 dataset. Predicted Consequence/Location: Stop-gained (nonsense): predicted to result in a loss or disruption of normal protein function through nonsense-mediated decay (NMD) or protein truncation. Multiple pathogenic variants are reported downstream of the variant. The variant has been reported to be associated with PKD2-related disorder (ClinVar ID: VCV004531949 /PMID: 25491204). Therefore, this variant is classified as Pathogenic according to the recommendation of ACMG/AMP guideline.

Victorian Clinical Genetics Services, Murdoch Childrens Research Institute
Classification: Pathogenic for Polycystic kidney disease 2. Last evaluated: 2025-05-15. Review status: criteria provided, single submitter. Criteria: ACMG Guidelines, 2015. Collection method: clinical testing. Allele origin: germline. Affected: yes.
Comment: This variant is classified as Pathogenic. Evidence in support of pathogenic classification: Variant is predicted to cause nonsense-mediated decay (NMD) and loss of protein (premature termination codon is located at least 54 nucleotides upstream of the final exon-exon junction); Variant is absent from gnomAD (v2, v3 and v4); Other NMD-predicted variant(s) comparable to the one identified in this case have very strong previous evidence for pathogenicity (DECIPHER). Additional information: This variant is heterozygous; This gene is associated with autosomal dominant disease; Loss of function is a known mechanism of disease in this gene and is associated with polycystic kidney disease 2 (MIM#613095); Inheritance information for this variant is not currently available in this individual.

Literature cited by the submitters: PubMed 25491204 (cited by 3billion).